The following is an entry in ClinVar:

NC_000019.9:g.(?_4102354)_(4102471_?)del

Gene: MAP2K2 (mitogen-activated protein kinase kinase 2; minus strand). Cytogenetic location: 19p13.3.
Variant type: Deletion.
Identifiers: ClinVar variation 1441467 (VCV001441467.5).

ClinVar aggregate classification (germline): Uncertain significance (1 of 4 stars; one submission).

Conditions:
RASopathy. Also called: rasopathies; Noonan spectrum disorder. Identifiers: Orphanet 536391, MedGen C5555857, MONDO:0021060.

Submission:

Labcorp Genetics (formerly Invitae), Labcorp
Classification: Uncertain significance for RASopathy. Last evaluated: 2022-12-22. Review status: criteria provided, single submitter. Criteria: Invitae Variant Classification Sherloc (09022015). Collection method: clinical testing. Allele origin: germline.
Comment: In summary, the available evidence is currently insufficient to determine the role of this variant in disease. Therefore, it has been classified as a Variant of Uncertain Significance. Experimental studies and prediction algorithms are not available or were not evaluated, and the functional significance of this variant is currently unknown. This variant has not been reported in the literature in individuals affected with MAP2K2-related conditions. This variant is a gross deletion of the genomic region encompassing exon(s) 4 of the MAP2K2 gene. This variant would be expected to be in-frame, preserving the integrity of the reading frame.